The following is an entry in ClinVar:

ClinVar aggregate classification (germline): Uncertain significance (1 of 4 stars; one submission).

Conditions:
Combined immunodeficiency due to LRBA deficiency. Also called: Common variable immunodeficiency 8, with autoimmunity. Identifiers: Orphanet 445018, MedGen C3553512, MONDO:0013863, OMIM 614700.

Allele frequency attached by ClinVar (database versions not stated): gnomAD 0.00002; ExAC 0.00004; TOPMed 0.00004; ESP Exome Variant Server 0.00008.
gnomAD v4.1: 20 of 1,579,900 alleles (0.0013%); highest among the groups gnomAD compares: African/African-American, 0.0054%; 1 homozygote.

Submission:

Labcorp Genetics (formerly Invitae), Labcorp
Classification: Uncertain significance for Combined immunodeficiency due to LRBA deficiency. Last evaluated: 2024-10-08. Review status: criteria provided, single submitter. Criteria: Invitae Variant Classification Sherloc (09022015). Collection method: clinical testing. Allele origin: germline.
Comment: This sequence change replaces arginine, which is basic and polar, with glutamine, which is neutral and polar, at codon 2690 of the LRBA protein (p.Arg2690Gln). The frequency data for this variant in the population databases is considered unreliable, as metrics indicate poor data quality at this position in the gnomAD database. This variant has not been reported in the literature in individuals affected with LRBA-related conditions. ClinVar contains an entry for this variant (Variation ID: 640942). Invitae Evidence Modeling of protein sequence and biophysical properties (such as structural, functional, and spatial information, amino acid conservation, physicochemical variation, residue mobility, and thermodynamic stability) indicates that this missense variant is not expected to disrupt LRBA protein function with a negative predictive value of 80%. In summary, the available evidence is currently insufficient to determine the role of this variant in disease. Therefore, it has been classified as a Variant of Uncertain Significance.

NM_001364905.1(LRBA):c.8036G>A (p.Arg2679Gln)

Gene: LRBA (LPS responsive beige-like anchor protein; minus strand). Cytogenetic location: 4q31.3.
Variant type: single nucleotide variant.
Coding change: c.8036G>A on transcript NM_001364905.1 (MANE Select); coding-DNA position 8036, G replaced by A.
Protein change: p.Arg2679Gln; replaces arginine 2679 with glutamine.
Molecular consequence: missense variant.
Genome position (GRCh38, 1-based): chr4:150,286,016, C>T on the plus strand (G>A on the coding strand, the complement: LRBA is on the minus strand). VCF-style: chr4-150286016-C-T. GRCh37 (hg19) VCF-style: chr4-151207168-C-T.
Other names: c.8033G>A, p.Arg2678Gln (NM_001199282.3); c.8051G>A, p.Arg2684Gln (NM_001367550.1); c.8069G>A, p.Arg2690Gln (NM_006726.5); short protein forms R2679Q, R2684Q, R2678Q, R2690Q.
Identifiers: ClinVar variation 640942 (VCV000640942.8), dbSNP rs367712597, ClinGen allele CA3101457.
Genomic context (GRCh38, chr4:150,286,016, plus strand): 5'-CCTAGCTCCGCACACACCGCAGCACATGTGACCTCATAGTCATGGCCGGTCAAAATGGCC[C>T]GAGGAGCAGCAGTCTCACCTTTAGGAAAAAACAGATAAAAAGAACAAATCAATTCAATTT-3'
Protein context (NP_001351834.1, residues 2669-2689): DNPGSETAAP[Arg2679Gln]AILTGHDYEV